The following is an entry in ClinVar:

NM_014000.3(VCL):c.2845T>G (p.Tyr949Asp)

Gene: VCL (vinculin; plus strand). Cytogenetic location: 10q22.2.
Variant type: single nucleotide variant.
Coding change: c.2845T>G on transcript NM_014000.3 (MANE Select); coding-DNA position 2845, T replaced by G.
Protein change: p.Tyr949Asp; replaces tyrosine 949 with aspartic acid.
Molecular consequence: missense variant. On other transcripts: intron variant (1).
Genome position (GRCh38, 1-based): chr10:74,112,008, T>G. VCF-style: chr10-74112008-T-G. GRCh37 (hg19) VCF-style: chr10-75871766-T-G.
Other names: c.2845T>G (NM_014000.2); c.2746-2176T>G (NM_003373.4); short protein forms Y949D.
Identifiers: ClinVar variation 1019379 (VCV001019379.11), dbSNP rs1840231278, ClinGen allele CA377264725.

ClinVar aggregate classification (germline): Uncertain significance. Review status: criteria provided, multiple submitters, no conflicts (2 of 4 stars). 2 submissions from 2 submitters: Uncertain significance (2). Last evaluated 2025-08-25.

Conditions:
Cardiovascular phenotype. Identifiers: MedGen CN230736.
Dilated cardiomyopathy 1W (CMD1W). Identifiers: Orphanet 154, MedGen C1969639, MONDO:0012667, OMIM 611407.

Submissions (2):

Ambry Genetics
Classification: Uncertain significance for Cardiovascular phenotype. Last evaluated: 2025-08-25. Review status: criteria provided, single submitter. Criteria: Ambry Variant Classification Scheme 2023. Collection method: clinical testing. Allele origin: germline.
Comment: The p.Y949D variant (also known as c.2845T>G), located in coding exon 19 of the VCL gene, results from a T to G substitution at nucleotide position 2845. The tyrosine at codon 949 is replaced by aspartic acid, an amino acid with highly dissimilar properties. This amino acid position is well conserved in available vertebrate species. In addition, this alteration is predicted to be tolerated by in silico analysis. Based on the available evidence, the clinical significance of this variant remains unclear.

Labcorp Genetics (formerly Invitae), Labcorp
Classification: Uncertain significance for Dilated cardiomyopathy 1W. Last evaluated: 2022-03-18. Review status: criteria provided, single submitter. Criteria: Invitae Variant Classification Sherloc (09022015). Collection method: clinical testing. Allele origin: germline.
Comment: This variant has not been reported in the literature in individuals affected with VCL-related conditions. This variant is not present in population databases (gnomAD no frequency). This sequence change replaces tyrosine, which is neutral and polar, with aspartic acid, which is acidic and polar, at codon 949 of the VCL protein (p.Tyr949Asp). ClinVar contains an entry for this variant (Variation ID: 1019379). In summary, the available evidence is currently insufficient to determine the role of this variant in disease. Therefore, it has been classified as a Variant of Uncertain Significance. Algorithms developed to predict the effect of missense changes on protein structure and function are either unavailable or do not agree on the potential impact of this missense change (SIFT: "Not Available"; PolyPhen-2: "Benign"; Align-GVGD: "Not Available").